The following is an entry in ClinVar:

NM_000062.3(SERPING1):c.1153A>T (p.Lys385Ter)

Gene: SERPING1 (serpin family G member 1; plus strand). Cytogenetic location: 11q12.1.
Variant type: single nucleotide variant.
Coding change: c.1153A>T on transcript NM_000062.3 (MANE Select); coding-DNA position 1153, A replaced by T.
Protein change: p.Lys385Ter; replaces lysine 385 with a stop codon.
Molecular consequence: nonsense.
Genome position (GRCh38, 1-based): chr11:57,611,840, A>T. VCF-style: chr11-57611840-A-T. GRCh37 (hg19) VCF-style: chr11-57379313-A-T.
Other names: c.1153A>T, p.Lys385Ter (NM_001032295.2); short protein forms K385*.
Identifiers: ClinVar variation 3255494 (VCV003255494.2), dbSNP rs2495452578.

ClinVar aggregate classification (germline): Pathogenic (1 of 4 stars; one submission).

Conditions:
Hereditary angioedema type 1 (HAE1). Identifiers: Orphanet 100050, Orphanet 100051, Orphanet 91378, MedGen C2717906, MONDO:0015053, OMIM 106100.

Submission:

DNA-diagnostics Laboratory, Research Centre For Medical Genetics
Classification: Pathogenic for Hereditary angioedema type 1. Last evaluated: 2024-07-21. Review status: criteria provided, single submitter. Criteria: ACMG Guidelines, 2015. Collection method: research. Allele origin: germline. Inheritance: Autosomal dominant inheritance. Affected: yes. Observed: 2 variant alleles, 2 heterozygotes.
Comment: The c.1153A>T variant in SERPING1 meets ACMG/ClinGen SVI guidance criteria to be classified as pathogenic: PVS1, PP4_Str, PM2_Sup